The following is an entry in ClinVar:

NM_002850.4(PTPRS):c.981G>C (p.Thr327=)

Gene: PTPRS (protein tyrosine phosphatase receptor type S; minus strand). Cytogenetic location: 19p13.3.
Variant type: single nucleotide variant.
Coding change: c.981G>C on transcript NM_002850.4 (MANE Select); coding-DNA position 981, G replaced by C.
Protein change: p.Thr327=; no amino-acid change (threonine 327 retained).
Molecular consequence: synonymous variant.
Genome position (GRCh38, 1-based): chr19:5,245,783, C>G on the plus strand (G>C on the coding strand, the complement: PTPRS is on the minus strand). VCF-style: chr19-5245783-C-G. GRCh37 (hg19) VCF-style: chr19-5245794-C-G.
Other names: c.942G>C, p.Thr314= (NM_130853.3, NM_130854.3); c.954G>C, p.Thr318= (NM_130855.3).
Identifiers: ClinVar variation 769949 (VCV000769949.7), dbSNP rs77031077, ClinGen allele CA9110462.

ClinVar aggregate classification (germline): Benign. Review status: criteria provided, multiple submitters, no conflicts (2 of 4 stars). 3 submissions from 3 submitters: Benign (2). 1 of the submissions does not count toward it. Last evaluated 2019-12-31.

Conditions:
PTPRS-related disorder. Also called: PTPRS-related condition.

Allele frequency attached by ClinVar (database versions not stated): 1000 Genomes Project 0.01717; gnomAD 0.01746; 1000 Genomes Project 30x 0.01843; TOPMed 0.01879; ESP Exome Variant Server 0.02099.
gnomAD v4.1: 5,133 of 1,596,668 alleles (0.32%); highest among the groups gnomAD compares: African/African-American, 5.9%; 121 homozygotes.

Submissions (3):

Labcorp Genetics (formerly Invitae), Labcorp
Classification: Benign. Last evaluated: 2019-12-31. Review status: criteria provided, single submitter. Criteria: Invitae Variant Classification Sherloc (09022015). Collection method: clinical testing. Allele origin: germline.

Breakthrough Genomics
Classification: Benign. Review status: criteria provided, single submitter. Criteria: ACMG Guidelines, 2015. Collection method: not provided. Allele origin: germline. Inheritance: Unknown mechanism. Affected: yes.

PreventionGenetics, part of Exact Sciences
Classification: Benign for PTPRS-related condition. Last evaluated: 2019-09-17. Review status: no assertion criteria provided. Collection method: clinical testing. Allele origin: germline. Not counted in ClinVar's aggregate classification.
Comment: This variant is classified as benign based on ACMG/AMP sequence variant interpretation guidelines (Richards et al. 2015 PMID: 25741868, with internal and published modifications).